The following is an entry in ClinVar:

NM_006876.3(B4GAT1):c.1022G>A (p.Arg341His)

Gene: B4GAT1 (beta-1,4-glucuronyltransferase 1; minus strand). Cytogenetic location: 11q13.2.
Variant type: single nucleotide variant.
Coding change: c.1022G>A on transcript NM_006876.3 (MANE Select); coding-DNA position 1022, G replaced by A.
Protein change: p.Arg341His; replaces arginine 341 with histidine.
Molecular consequence: missense variant.
Genome position (GRCh38, 1-based): chr11:66,346,524, C>T on the plus strand (G>A on the coding strand, the complement: B4GAT1 is on the minus strand). VCF-style: chr11-66346524-C-T. GRCh37 (hg19) VCF-style: chr11-66113995-C-T.
Other names: short protein forms R341H.
Identifiers: ClinVar variation 648835 (VCV000648835.7), dbSNP rs770685607, ClinGen allele CA6120478.

ClinVar aggregate classification (germline): Uncertain significance. Review status: criteria provided, multiple submitters, no conflicts (2 of 4 stars). 3 submissions from 3 submitters: Uncertain significance (3). Last evaluated 2025-03-22.

Conditions:
Inborn genetic diseases. Identifiers: MedGen C0950123, MeSH D030342.
Muscular dystrophy-dystroglycanopathy (congenital with brain and eye anomalies), type A13. Also called: WALKER-WARBURG SYNDROME OR MUSCLE-EYE-BRAIN DISEASE, B3GNT1-RELATED; Muscular dystrophy-dystroglycanopathy (congenital with brain and eye anomalies), type a, 13. Identifiers: Orphanet 899, MedGen C3809042, MONDO:0014120, OMIM 615287.

Allele frequency attached by ClinVar (database versions not stated): TOPMed 0.00002; ExAC 0.00003; gnomAD 0.00003.

Submissions (3):

Ambry Genetics
Classification: Uncertain significance for Inborn genetic diseases. Last evaluated: 2025-03-22. Review status: criteria provided, single submitter. Criteria: Ambry Variant Classification Scheme 2023. Collection method: clinical testing. Allele origin: germline.

Labcorp Genetics (formerly Invitae), Labcorp
Classification: Uncertain significance for Muscular dystrophy-dystroglycanopathy (congenital with brain and eye anomalies), type A13. Last evaluated: 2022-08-22. Review status: criteria provided, single submitter. Criteria: Invitae Variant Classification Sherloc (09022015). Collection method: clinical testing. Allele origin: germline.
Comment: This sequence change replaces arginine, which is basic and polar, with histidine, which is basic and polar, at codon 341 of the B4GAT1 protein (p.Arg341His). This variant is present in population databases (rs770685607, gnomAD 0.004%). This variant has not been reported in the literature in individuals affected with B4GAT1-related conditions. ClinVar contains an entry for this variant (Variation ID: 648835). Algorithms developed to predict the effect of missense changes on protein structure and function are either unavailable or do not agree on the potential impact of this missense change (SIFT: "Deleterious"; PolyPhen-2: "Probably Damaging"; Align-GVGD: "Class C0"). In summary, the available evidence is currently insufficient to determine the role of this variant in disease. Therefore, it has been classified as a Variant of Uncertain Significance.

Breakthrough Genomics
Classification: Uncertain significance. Review status: criteria provided, single submitter. Criteria: ACMG Guidelines, 2015. Collection method: not provided. Allele origin: germline. Inheritance: Autosomal recessive inheritance. Affected: yes.